The following is an entry in ClinVar:

NM_000252.3(MTM1):c.629A>T (p.Asp210Val)

Gene: MTM1 (myotubularin 1; plus strand). Cytogenetic location: Xq28.
Variant type: single nucleotide variant.
Coding change: c.629A>T on transcript NM_000252.3 (MANE Select); coding-DNA position 629, A replaced by T.
Protein change: p.Asp210Val; replaces aspartic acid 210 with valine.
Molecular consequence: missense variant.
Genome position (GRCh38, 1-based): chrX:150,641,369, A>T. VCF-style: chrX-150641369-A-T. GRCh37 (hg19) VCF-style: chrX-149809842-A-T.
Other names: c.629A>T, p.Asp210Val (NM_001376906.1, NM_001376908.1); c.518A>T, p.Asp173Val (NM_001376907.1); short protein forms D173V, D210V.
Identifiers: ClinVar variation 2010714 (VCV002010714.4), dbSNP rs587783842, ClinGen allele CA415256167.

ClinVar aggregate classification (germline): Uncertain significance (1 of 4 stars; one submission).

Conditions:
Severe X-linked myotubular myopathy (CNMX). Also called: MYOTUBULAR MYOPATHY 1; X-linked centronuclear myopathy; Myotubular myopathy, X-linked. Identifiers: Orphanet 596, MedGen C0410203, MONDO:0010683, OMIM 310400.

Submission:

Labcorp Genetics (formerly Invitae), Labcorp
Classification: Uncertain significance for Severe X-linked myotubular myopathy. Last evaluated: 2022-06-25. Review status: criteria provided, single submitter. Criteria: Invitae Variant Classification Sherloc (09022015). Collection method: clinical testing. Allele origin: germline.
Comment: This variant is not present in population databases (gnomAD no frequency). In summary, the available evidence is currently insufficient to determine the role of this variant in disease. Therefore, it has been classified as a Variant of Uncertain Significance. Algorithms developed to predict the effect of missense changes on protein structure and function are either unavailable or do not agree on the potential impact of this missense change (SIFT: "Deleterious"; PolyPhen-2: "Possibly Damaging"; Align-GVGD: "Class C0"). This variant has not been reported in the literature in individuals affected with MTM1-related conditions. This sequence change replaces aspartic acid, which is acidic and polar, with valine, which is neutral and non-polar, at codon 210 of the MTM1 protein (p.Asp210Val).